The following is an entry in ClinVar:

NM_000812.4(GABRB1):c.1099A>G (p.Ile367Val)

Gene: GABRB1 (gamma-aminobutyric acid type A receptor subunit beta1; plus strand). Cytogenetic location: 4p12.
Variant type: single nucleotide variant.
Coding change: c.1099A>G on transcript NM_000812.4 (MANE Select); coding-DNA position 1099, A replaced by G.
Protein change: p.Ile367Val; replaces isoleucine 367 with valine.
Molecular consequence: missense variant.
Genome position (GRCh38, 1-based): chr4:47,425,692, A>G. VCF-style: chr4-47425692-A-G. GRCh37 (hg19) VCF-style: chr4-47427709-A-G.
Other names: short protein forms I367V.
Identifiers: ClinVar variation 1377558 (VCV001377558.8), dbSNP rs1243091405, ClinGen allele CA356766821.
Genomic context (GRCh38, chr4:47,425,692, plus strand): 5'-GGTCCTGCAACTTGTGTCCGAGCCTGTTCTTTTTGCCATCAGGTCGACGCCCACGGTAAC[A>G]TTCTCCTCAGCACCCTGGAAATCCGGAATGAGACGAGTGGCTCGGAAGTGCTCACGAGCG-3'
Protein context (NP_000803.2, residues 357-377): NKVQVDAHGN[Ile367Val]LLSTLEIRNE

ClinVar aggregate classification (germline): Uncertain significance (1 of 4 stars; one submission).

Allele frequency attached by ClinVar (database versions not stated): gnomAD exomes below 0.00001; gnomAD 0.00001; TOPMed 0.00002.
gnomAD v4.1: 39 of 1,605,998 alleles (0.0024%); highest among the groups gnomAD compares: Non-Finnish European, 0.0032%; no homozygotes.

Submission:

Labcorp Genetics (formerly Invitae), Labcorp
Classification: Uncertain significance. Last evaluated: 2022-12-18. Review status: criteria provided, single submitter. Criteria: Invitae Variant Classification Sherloc (09022015). Collection method: clinical testing. Allele origin: germline.
Comment: Advanced modeling of protein sequence and biophysical properties (such as structural, functional, and spatial information, amino acid conservation, physicochemical variation, residue mobility, and thermodynamic stability) performed at Invitae indicates that this missense variant is not expected to disrupt GABRB1 protein function. In summary, the available evidence is currently insufficient to determine the role of this variant in disease. Therefore, it has been classified as a Variant of Uncertain Significance. ClinVar contains an entry for this variant (Variation ID: 1377558). This variant has not been reported in the literature in individuals affected with GABRB1-related conditions. This variant is present in population databases (no rsID available, gnomAD 0.0009%). This sequence change replaces isoleucine, which is neutral and non-polar, with valine, which is neutral and non-polar, at codon 367 of the GABRB1 protein (p.Ile367Val).